The following is an entry in ClinVar:

NM_005989.4(AKR1D1):c.233G>A (p.Arg78Gln)

Gene: AKR1D1 (aldo-keto reductase family 1 member D1; plus strand). Cytogenetic location: 7q33.
Variant type: single nucleotide variant.
Coding change: c.233G>A on transcript NM_005989.4 (MANE Select); coding-DNA position 233, G replaced by A.
Protein change: p.Arg78Gln; replaces arginine 78 with glutamine.
Molecular consequence: missense variant.
Genome position (GRCh38, 1-based): chr7:138,088,740, G>A. VCF-style: chr7-138088740-G-A. GRCh37 (hg19) VCF-style: chr7-137773486-G-A.
Other names: c.233G>A, p.Arg78Gln (NM_001190906.2, NM_001190907.2); c.233G>A (NM_005989.3); short protein forms R78Q.
Identifiers: ClinVar variation 594307 (VCV000594307.8), dbSNP rs199535210, ClinGen allele CA4502612.
Genomic context (GRCh38, chr7:138,088,740, plus strand): 5'-ACCAAAATGAACACGAAGTTGGGGAGGCCATCAGGGAGAAGATAGCAGAAGGAAAGGTGC[G>A]GAGGGAAGATATCTTCTACTGTGGAAAGGTGAGATCTTGCCTTCAGCCTCCACTGGGGAC-3'
Protein context (NP_005980.1, residues 68-88): IREKIAEGKV[Arg78Gln]REDIFYCGKL

ClinVar aggregate classification (germline): Uncertain significance. Review status: criteria provided, multiple submitters, no conflicts (2 of 4 stars). 2 submissions from 2 submitters: Uncertain significance (2). Last evaluated 2026-02-04.

Conditions:
AKR1D1-related disorder. Also called: AKR1D1-related condition.

Allele frequency attached by ClinVar (database versions not stated): TOPMed 0.00012; gnomAD 0.00015; gnomAD exomes 0.00015; 1000 Genomes Project 30x 0.00016; 1000 Genomes Project 0.00020.
gnomAD v4.1: 203 of 1,608,190 alleles (0.013%); highest among the groups gnomAD compares: Admixed American, 0.012%; no homozygotes.

Submissions (2):

PreventionGenetics, part of Exact Sciences
Classification: Uncertain significance for AKR1D1-related condition. Last evaluated: 2026-02-04. Review status: criteria provided, single submitter. Criteria: ACMG Guidelines, 2015. Collection method: clinical testing. Allele origin: germline.
Comment: The AKR1D1 c.233G>A variant is predicted to result in the amino acid substitution p.Arg78Gln. To our knowledge, this variant has not been reported in the literature. This variant is reported in 0.11% of alleles in individuals of European (Finnish) descent in gnomAD, which may be too frequent to be a primary cause of disease. Although we suspect that this variant may be benign, at this time, the clinical significance of this variant is uncertain due to the absence of conclusive functional and genetic evidence.

Eurofins Ntd Llc (ga)
Classification: Uncertain significance. Last evaluated: 2017-10-02. Review status: criteria provided, single submitter. Criteria: EGL Classification Definitions 2015. Collection method: clinical testing. Allele origin: germline. Observed: 1 variant allele, 1 heterozygote.